The following is an entry in ClinVar:

ClinVar aggregate classification (germline): Uncertain significance (1 of 4 stars; one submission).

Conditions:
Nemaline myopathy 2 (NEM2). Also called: Nemaline myopathy 2, autosomal recessive. Identifiers: MedGen C1850569, MONDO:0009725, OMIM 256030.

gnomAD v4.1: 1 of 1,613,634 alleles (0.000062%); highest among the groups gnomAD compares: Non-Finnish European, 0.000085%; no homozygotes.

Submission:

Labcorp Genetics (formerly Invitae), Labcorp
Classification: Uncertain significance for Nemaline myopathy 2. Last evaluated: 2022-08-16. Review status: criteria provided, single submitter. Criteria: Invitae Variant Classification Sherloc (09022015). Collection method: clinical testing. Allele origin: germline.
Comment: In summary, the available evidence is currently insufficient to determine the role of this variant in disease. Therefore, it has been classified as a Variant of Uncertain Significance. Algorithms developed to predict the effect of missense changes on protein structure and function are either unavailable or do not agree on the potential impact of this missense change (SIFT: "Deleterious"; PolyPhen-2: "Not Available"; Align-GVGD: "Class C0"). ClinVar contains an entry for this variant (Variation ID: 1471456). This variant has not been reported in the literature in individuals affected with NEB-related conditions. This variant is not present in population databases (gnomAD no frequency). This sequence change replaces methionine, which is neutral and non-polar, with isoleucine, which is neutral and non-polar, at codon 2096 of the NEB protein (p.Met2096Ile).

NM_001164508.2(NEB):c.6288G>A (p.Met2096Ile)

Gene: NEB (nebulin; minus strand). Cytogenetic location: 2q23.3.
Variant type: single nucleotide variant.
Coding change: c.6288G>A on transcript NM_001164508.2 (MANE Select); coding-DNA position 6288, G replaced by A.
Protein change: p.Met2096Ile; replaces methionine 2096 with isoleucine.
Molecular consequence: missense variant.
Genome position (GRCh38, 1-based): chr2:151,656,360, C>T on the plus strand (G>A on the coding strand, the complement: NEB is on the minus strand). VCF-style: chr2-151656360-C-T. GRCh37 (hg19) VCF-style: chr2-152512874-C-T.
Other names: c.6288G>A, p.Met2096Ile (NM_001164507.2, NM_001271208.2, NM_004543.5); short protein forms M2096I.
Identifiers: ClinVar variation 1471456 (VCV001471456.4), dbSNP rs2154149119, ClinGen allele CA348799943.
Genomic context (GRCh38, chr2:151,656,360, plus strand): 5'-AGGGGTGTGGTAGCTGGTCTTTGTGTTCTCATAGTTTTTCTTGTACTCCCGATCAGATTG[C>T]ATCTTAGCCACTTGCATGGAATGGACTAATTTGGGATCATCCTCGAGACTGCGGAAACCA-3'
Protein context (NP_001157980.2, residues 2086-2106): KLVHSMQVAK[Met2096Ile]QSDREYKKNY